The following is an entry in ClinVar:

NM_018648.4(NOP10):c.179C>T (p.Pro60Leu)

Gene: NOP10 (NOP10 ribonucleoprotein; minus strand). Cytogenetic location: 15q14.
Variant type: single nucleotide variant.
Coding change: c.179C>T on transcript NM_018648.4 (MANE Select); coding-DNA position 179, C replaced by T.
Protein change: p.Pro60Leu; replaces proline 60 with leucine.
Molecular consequence: missense variant.
Genome position (GRCh38, 1-based): chr15:34,341,984, G>A on the plus strand (C>T on the coding strand, the complement: NOP10 is on the minus strand). VCF-style: chr15-34341984-G-A. GRCh37 (hg19) VCF-style: chr15-34634185-G-A.
Other names: short protein forms P60L.
Identifiers: ClinVar variation 466306 (VCV000466306.8), dbSNP rs765367178, ClinGen allele CA7464762.

ClinVar aggregate classification (germline): Uncertain significance (1 of 4 stars; one submission).

Conditions:
Dyskeratosis congenita, autosomal recessive 1. Identifiers: Orphanet 1775, MedGen C1857144, MONDO:0009136, OMIM 224230.

Allele frequency attached by ClinVar (database versions not stated): ExAC 0.00001; gnomAD 0.00001; gnomAD exomes 0.00001; TOPMed 0.00003.
gnomAD v4.1: 18 of 1,613,936 alleles (0.0011%); highest among the groups gnomAD compares: Non-Finnish European, 0.0014%; no homozygotes.

Submission:

Labcorp Genetics (formerly Invitae), Labcorp
Classification: Uncertain significance for Dyskeratosis congenita, autosomal recessive 1. Last evaluated: 2023-09-05. Review status: criteria provided, single submitter. Criteria: Invitae Variant Classification Sherloc (09022015). Collection method: clinical testing. Allele origin: germline.
Comment: In summary, the available evidence is currently insufficient to determine the role of this variant in disease. Therefore, it has been classified as a Variant of Uncertain Significance. An algorithm developed to predict the effect of missense changes on protein structure and function (PolyPhen-2) suggests that this variant¬†is likely to be tolerated. ClinVar contains an entry for this variant (Variation ID: 466306). This variant has not been reported in the literature in individuals affected with NOP10-related conditions. This variant is present in population databases (rs765367178, gnomAD 0.007%). This sequence change replaces proline, which is neutral and non-polar, with leucine, which is neutral and non-polar, at codon 60 of the NOP10 protein (p.Pro60Leu).